The following is an entry in ClinVar:

NM_001145809.2(MYH14):c.1427G>A (p.Arg476His)

Gene: MYH14 (myosin heavy chain 14; plus strand). Cytogenetic location: 19q13.33.
Variant type: single nucleotide variant.
Coding change: c.1427G>A on transcript NM_001145809.2 (MANE Select); coding-DNA position 1427, G replaced by A.
Protein change: p.Arg476His; replaces arginine 476 with histidine.
Molecular consequence: missense variant.
Genome position (GRCh38, 1-based): chr19:50,249,084, G>A. VCF-style: chr19-50249084-G-A. GRCh37 (hg19) VCF-style: chr19-50752341-G-A.
Other names: c.1427G>A, p.Arg476His (NM_001077186.2); c.1403G>A, p.Arg468His (NM_024729.4); c.1427G>A (NM_001145809.1); short protein forms R468H, R476H.
Identifiers: ClinVar variation 1050530 (VCV001050530.14), dbSNP rs375694189, ClinGen allele CA9592630.

ClinVar aggregate classification (germline): Likely benign. Review status: criteria provided, multiple submitters, no conflicts (2 of 4 stars). 4 submissions from 4 submitters: Likely benign (2). 2 of the submissions do not count toward it. Last evaluated 2025-09-24.

Conditions:
MYH14-related disorder. Also called: MYH14-related condition.

Allele frequency attached by ClinVar (database versions not stated): ESP Exome Variant Server 0.00008; gnomAD exomes 0.00014; 1000 Genomes Project 30x 0.00016; ExAC 0.00020; gnomAD 0.00031 and 0.00033.
gnomAD v4.1: 119 of 1,604,358 alleles (0.0074%); highest among the groups gnomAD compares: African/African-American, 0.12%; 1 homozygote.

Submissions (4):

Labcorp Genetics (formerly Invitae), Labcorp
Classification: Likely benign. Last evaluated: 2025-09-24. Review status: criteria provided, single submitter. Criteria: Invitae Variant Classification Sherloc (09022015). Collection method: clinical testing. Allele origin: germline.

GeneDx
Classification: Likely benign. Last evaluated: 2021-11-01. Review status: criteria provided, single submitter. Criteria: GeneDx Variant Classification Process June 2021. Collection method: clinical testing. Allele origin: germline. Affected: yes.
Comment: Identified in a patient with bilateral non-syndromic hearing loss in published literature (Sloan-Heggen et al., 2016); In silico analysis supports that this missense variant has a deleterious effect on protein structure/function; This variant is associated with the following publications: (PMID: 26969326)

PreventionGenetics, part of Exact Sciences
Classification: Likely benign for MYH14-related condition. Last evaluated: 2024-09-09. Review status: no assertion criteria provided. Collection method: clinical testing. Allele origin: germline. Not counted in ClinVar's aggregate classification.
Comment: This variant is classified as likely benign based on ACMG/AMP sequence variant interpretation guidelines (Richards et al. 2015 PMID: 25741868, with internal and published modifications).

Department of Pathology and Laboratory Medicine, Sinai Health System
Classification: Uncertain significance. Review status: no assertion criteria provided. Collection method: clinical testing. Allele origin: unknown. Affected: yes. Study: The Canadian Open Genetics Repository (COGR). Not counted in ClinVar's aggregate classification.
Comment: The MYH14 p.Arg476His variant was not identified in the literature nor was it identified in the ClinVar, Cosmic, or LOVD 3.0 databases. The variant was identified in dbSNP (ID: rs375694189) and in control databases in 45 of 259112 chromosomes at a frequency of 0.000174 (Genome Aggregation Database Feb 27, 2017). The variant was observed in the following populations: African in 41 of 22004 chromosomes (freq: 0.001863), Other in 1 of 6692 chromosomes (freq: 0.000149), East Asian in 1 of 18256 chromosomes (freq: 0.000055), South Asian in 1 of 27928 chromosomes (freq: 0.000036) and Latino in 1 of 33166 chromosomes (freq: 0.00003); it was not observed in the Ashkenazi Jewish, European (Finnish) or European (non-Finnish) populations. The p.Arg476 residue is conserved in mammals and computational analyses (PolyPhen-2, SIFT, AlignGVGD, BLOSUM, MutationTaster) provide inconsistent predictions regarding the impact to the protein; this information is not very predictive of pathogenicity. The variant occurs outside of the splicing consensus sequence and in silico or computational prediction software programs (SpliceSiteFinder, MaxEntScan, NNSPLICE, GeneSplicer) do not predict a difference in splicing. In summary, based on the above information the clinical significance of this variant cannot be determined with certainty at this time. This variant is classified as a variant of uncertain significance.